The following is an entry in ClinVar:

ClinVar aggregate classification (germline): Uncertain significance (1 of 4 stars; one submission).

Conditions:
Duchenne muscular dystrophy (DMD). Also called: MUSCULAR DYSTROPHY, PSEUDOHYPERTROPHIC PROGRESSIVE, DUCHENNE TYPE; Duchenne Muscular Dystrophy (DMD). Identifiers: Orphanet 98896, MedGen C0013264, MONDO:0010679, OMIM 310200.

Submission:

Labcorp Genetics (formerly Invitae), Labcorp
Classification: Uncertain significance for Duchenne muscular dystrophy. Last evaluated: 2024-06-23. Review status: criteria provided, single submitter. Criteria: Invitae Variant Classification Sherloc (09022015). Collection method: clinical testing. Allele origin: germline.
Comment: This sequence change replaces threonine, which is neutral and polar, with isoleucine, which is neutral and non-polar, at codon 58 of the DMD protein (p.Thr58Ile). This variant is not present in population databases (gnomAD no frequency). This variant has not been reported in the literature in individuals affected with DMD-related conditions. Advanced modeling of protein sequence and biophysical properties (such as structural, functional, and spatial information, amino acid conservation, physicochemical variation, residue mobility, and thermodynamic stability) has been performed at Invitae for this missense variant, however the output from this modeling did not meet the statistical confidence thresholds required to predict the impact of this variant on DMD protein function. In summary, the available evidence is currently insufficient to determine the role of this variant in disease. Therefore, it has been classified as a Variant of Uncertain Significance.

NM_004006.3(DMD):c.173C>T (p.Thr58Ile)

Gene: DMD (dystrophin; minus strand). Cytogenetic location: Xp21.1.
Variant type: single nucleotide variant.
Coding change: c.173C>T on transcript NM_004006.3 (MANE Select); coding-DNA position 173, C replaced by T.
Protein change: p.Thr58Ile; replaces threonine 58 with isoleucine.
Molecular consequence: missense variant. On other transcripts: 5 prime UTR variant (1).
Genome position (GRCh38, 1-based): chrX:32,849,741, G>A on the plus strand (C>T on the coding strand, the complement: DMD is on the minus strand). VCF-style: chrX-32849741-G-A. GRCh37 (hg19) VCF-style: chrX-32867858-G-A.
Other names: c.149C>T, p.Thr50Ile (NM_000109.4); c.161C>T, p.Thr54Ile (NM_004009.3); c.-197C>T (NM_004010.3); short protein forms T50I, T54I, T58I.
Identifiers: ClinVar variation 3708608 (VCV003708608.2).